The following is an entry in ClinVar:

NM_001005373.4(LRSAM1):c.2157C>T (p.Ile719=)

Gene: LRSAM1 (leucine rich repeat and sterile alpha motif containing 1; plus strand). Cytogenetic location: 9q34.11.
Variant type: single nucleotide variant.
Coding change: c.2157C>T on transcript NM_001005373.4 (MANE Select); coding-DNA position 2157, C replaced by T.
Protein change: p.Ile719=; no amino-acid change (isoleucine 719 retained).
Molecular consequence: synonymous variant. On other transcripts: non-coding transcript variant (2).
Genome position (GRCh38, 1-based): chr9:127,502,884, C>T. VCF-style: chr9-127502884-C-T. GRCh37 (hg19) VCF-style: chr9-130265163-C-T.
Other names: p.Ile719=; c.2157C>T, p.Ile719= (NM_001005374.4, NM_001384142.1, NM_138361.5); c.2076C>T, p.Ile692= (NM_001190723.3); c.2058C>T, p.Ile686= (NM_001384143.1); c.1368C>T, p.Ile456= (NM_001384144.1); c.2157C>T (NM_138361.4).
Identifiers: ClinVar variation 379521 (VCV000379521.23), dbSNP rs34768188, ClinGen allele CA5247279.
Genomic context (GRCh38, chr9:127,502,884, plus strand): 5'-CTGCCAGCCACTGCGCACCTGCCCGCTGTGCCGCCAGGACATCGCCCAGCGCCTCCGCAT[C>T]TACCACAGCAGCTGAGTGCTGCCCGCCCACCTGGGCCTGGTCCTAGCCCTGCCTCGGCCA-3'
Protein context (NP_001005373.1, residues 709-723): CRQDIAQRLR[Ile719=]YHSS

ClinVar aggregate classification (germline): Benign/Likely benign. Review status: criteria provided, multiple submitters, no conflicts (2 of 4 stars). 7 submissions from 7 submitters: Benign (6); Likely benign (1). Last evaluated 2026-01-11.

Conditions:
Inborn genetic diseases. Identifiers: MedGen C0950123, MeSH D030342.
Charcot-Marie-Tooth disease. Also called: Charcot-Marie-Tooth Neuropathy; Charcot-Marie-Tooth Hereditary Neuropathy. Identifiers: Orphanet 166, MedGen C0007959, MONDO:0015626.
Charcot-Marie-Tooth disease axonal type 2P. Also called: CHARCOT-MARIE-TOOTH DISEASE, AXONAL, TYPE 2G; CMT 2G; CHARCOT-MARIE-TOOTH NEUROPATHY, TYPE 2P; Charcot-Marie-Tooth Neuropathy Type 2G. Identifiers: Orphanet 300319, Orphanet 99941, MedGen C3280797, MONDO:0013753, OMIM 614436.

Allele frequency attached by ClinVar (database versions not stated): gnomAD exomes 0.00071 and 0.00191; ExAC 0.00323; 1000 Genomes Project 0.00599; gnomAD 0.00728 and 0.00793; 1000 Genomes Project 30x 0.00750; ESP Exome Variant Server 0.00785; TOPMed 0.00897.
gnomAD v4.1: 2,179 of 1,604,130 alleles (0.14%); highest among the groups gnomAD compares: African/African-American, 2.6%; 31 homozygotes.

Submissions (7):

Labcorp Genetics (formerly Invitae), Labcorp
Classification: Benign for Charcot-Marie-Tooth disease axonal type 2P. Last evaluated: 2026-01-11. Review status: criteria provided, single submitter. Criteria: Invitae Variant Classification Sherloc (09022015). Collection method: clinical testing. Allele origin: germline.

Mayo Clinic Laboratories, Mayo Clinic
Classification: Benign. Last evaluated: 2021-02-08. Review status: criteria provided, single submitter. Criteria: ACMG Guidelines, 2015. Collection method: clinical testing. Allele origin: germline. Observed: 4 variant alleles.

ARUP Laboratories, Molecular Genetics and Genomics, ARUP Laboratories
Classification: Benign for Charcot-Marie-Tooth disease axonal type 2P. Last evaluated: 2020-06-19. Review status: criteria provided, single submitter. Criteria: ARUP Molecular Germline Variant Investigation Process. Collection method: clinical testing. Allele origin: germline.

Ambry Genetics
Classification: Likely benign for Inborn genetic diseases. Last evaluated: 2019-07-11. Review status: criteria provided, single submitter. Criteria: Ambry Variant Classification Scheme 2023. Collection method: clinical testing. Allele origin: germline.

GeneDx
Classification: Benign. Last evaluated: 2015-04-24. Review status: criteria provided, single submitter. Criteria: GeneDx Variant Classification (06012015). Collection method: clinical testing. Allele origin: germline. Affected: yes.
Comment: This variant is considered likely benign or benign based on one or more of the following criteria: it is a conservative change, it occurs at a poorly conserved position in the protein, it is predicted to be benign by multiple in silico algorithms, and/or has population frequency not consistent with disease.

Breakthrough Genomics
Classification: Benign. Review status: criteria provided, single submitter. Criteria: ACMG Guidelines, 2015. Collection method: not provided. Allele origin: germline. Inheritance: Autosomal dominant inheritance. Affected: yes.

Molecular Genetics Laboratory, London Health Sciences Centre
Classification: Benign for Charcot-Marie-Tooth disease. Review status: criteria provided, single submitter. Criteria: ACMG Guidelines, 2015. Collection method: clinical testing. Allele origin: germline. Affected: yes.